The following is an entry in ClinVar:

ClinVar aggregate classification (germline): Uncertain significance (1 of 4 stars; one submission).

Conditions:
Ehlers-Danlos syndrome, classic type, 1 (EDSCL1). Also called: Ehlers-Danlos Syndrome, Classic Type, COL5A1-Related; EDS I; Ehlers-Danlos syndrome, type 1; EHLERS-DANLOS SYNDROME, GRAVIS TYPE; EHLERS-DANLOS SYNDROME, SEVERE CLASSIC TYPE. Identifiers: MedGen C0268335, MONDO:0019567, OMIM 130000.

gnomAD v4.1: 5 of 1,614,110 alleles (0.00031%); highest among the groups gnomAD compares: Non-Finnish European, 0.00042%; no homozygotes.

Submission:

Labcorp Genetics (formerly Invitae), Labcorp
Classification: Uncertain significance for Ehlers-Danlos syndrome, classic type, 1. Last evaluated: 2025-11-18. Review status: criteria provided, single submitter. Criteria: Invitae Variant Classification Sherloc (09022015). Collection method: clinical testing. Allele origin: germline.
Comment: This sequence change replaces glutamic acid, which is acidic and polar, with glutamine, which is neutral and polar, at codon 462 of the COL5A1 protein (p.Glu462Gln). This variant is present in population databases (no rsID available, gnomAD 0.0009%). This variant has not been reported in the literature in individuals affected with COL5A1-related conditions. ClinVar contains an entry for this variant (Variation ID: 580795). Invitae Evidence Modeling of protein sequence and biophysical properties (such as structural, functional, and spatial information, amino acid conservation, physicochemical variation, residue mobility, and thermodynamic stability) indicates that this missense variant is not expected to disrupt COL5A1 protein function with a negative predictive value of 80%. In summary, the available evidence is currently insufficient to determine the role of this variant in disease. Therefore, it has been classified as a Variant of Uncertain Significance.

NM_000093.5(COL5A1):c.1384G>C (p.Glu462Gln)

Gene: COL5A1 (collagen type V alpha 1 chain; plus strand). Cytogenetic location: 9q34.3.
Variant type: single nucleotide variant.
Coding change: c.1384G>C on transcript NM_000093.5 (MANE Select); coding-DNA position 1384, G replaced by C.
Protein change: p.Glu462Gln; replaces glutamic acid 462 with glutamine.
Molecular consequence: missense variant.
Genome position (GRCh38, 1-based): chr9:134,732,122, G>C. VCF-style: chr9-134732122-G-C. GRCh37 (hg19) VCF-style: chr9-137623968-G-C.
Other names: c.1384G>C, p.Glu462Gln (NM_001278074.1); short protein forms E462Q.
Identifiers: ClinVar variation 580795 (VCV000580795.10), dbSNP rs761770226, ClinGen allele CA375451588.